The following is an entry in ClinVar:

NM_001003800.2(BICD2):c.2054C>T (p.Thr685Ile)

Gene: BICD2 (BICD cargo adaptor 2; minus strand). Cytogenetic location: 9q22.31.
Variant type: single nucleotide variant.
Coding change: c.2054C>T on transcript NM_001003800.2 (MANE Select); coding-DNA position 2054, C replaced by T.
Protein change: p.Thr685Ile; replaces threonine 685 with isoleucine.
Molecular consequence: missense variant.
Genome position (GRCh38, 1-based): chr9:92,718,591, G>A on the plus strand (C>T on the coding strand, the complement: BICD2 is on the minus strand). VCF-style: chr9-92718591-G-A. GRCh37 (hg19) VCF-style: chr9-95480873-G-A.
Other names: c.2054C>T, p.Thr685Ile (NM_015250.4); short protein forms T685I.
Identifiers: ClinVar variation 2232042 (VCV002232042.2), dbSNP rs2490442768, ClinGen allele CA374034034.

ClinVar aggregate classification (germline): Uncertain significance (1 of 4 stars; one submission).

Conditions:
Inborn genetic diseases. Identifiers: MedGen C0950123, MeSH D030342.

Submission:

Ambry Genetics
Classification: Uncertain significance for Inborn genetic diseases. Last evaluated: 2021-07-14. Review status: criteria provided, single submitter. Criteria: Ambry Variant Classification Scheme 2023. Collection method: clinical testing. Allele origin: germline.
Comment: The c.2054C>T (p.T685I) alteration is located in exon 5 (coding exon 5) of the BICD2 gene. This alteration results from a C to T substitution at nucleotide position 2054, causing the threonine (T) at amino acid position 685 to be replaced by an isoleucine (I). Based on data from the Genome Aggregation Database (gnomAD), the BICD2 c.2054C>T alteration was not observed, with coverage at this position. This amino acid position is highly conserved in available vertebrate species. The in silico prediction for the p.T685I alteration is inconclusive. Based on insufficient or conflicting evidence, the clinical significance of this alteration remains unclear.